The following is an entry in ClinVar:

ClinVar aggregate classification (germline): Conflicting classifications of pathogenicity. Review status: criteria provided, conflicting classifications (1 of 4 stars). 8 submissions from 8 submitters: Uncertain significance (3); Likely benign (4). 1 of the submissions does not count toward it. Last evaluated 2026-01-21.

Conditions:
RFT1-congenital disorder of glycosylation (CDG1N). Also called: RFT1-CDG; Congenital disorder of glycosylation type In; CDG In. Identifiers: Orphanet 244310, MedGen C2677590, MONDO:0012783, OMIM 612015.
RFT1-related disorder. Also called: RFT1-related condition.

Allele frequency attached by ClinVar (database versions not stated): ESP Exome Variant Server 0.00100; gnomAD 0.00103 and 0.00116; TOPMed 0.00126; 1000 Genomes Project 0.00140; 1000 Genomes Project 30x 0.00141.
gnomAD v4.1: 2,423 of 1,607,780 alleles (0.15%); highest among the groups gnomAD compares: Middle Eastern, 2.2%; 9 homozygotes.

Submissions (8):

Labcorp Genetics (formerly Invitae), Labcorp
Classification: Likely benign for RFT1-congenital disorder of glycosylation. Last evaluated: 2026-01-21. Review status: criteria provided, single submitter. Criteria: Invitae Variant Classification Sherloc (09022015). Collection method: clinical testing. Allele origin: germline.

Blueprint Genetics
Classification: Likely benign. Last evaluated: 2024-11-21. Review status: criteria provided, single submitter. Criteria: ACMG Guidelines, 2015. Collection method: clinical testing. Allele origin: germline.

CeGaT Center for Human Genetics Tuebingen
Classification: Likely benign. Last evaluated: 2024-11-01. Review status: criteria provided, single submitter. Criteria: CeGaT Center For Human Genetics Tuebingen Variant Classification Criteria Version 2. Collection method: clinical testing. Allele origin: germline. Affected: yes. Observed: 1 variant allele.
Comment: RFT1: BP4, BS2

Revvity Omics, Revvity
Classification: Uncertain significance for RFT1-congenital disorder of glycosylation. Last evaluated: 2021-03-04. Review status: criteria provided, single submitter. Criteria: ACMG Guidelines, 2015. Collection method: clinical testing. Allele origin: germline.

GeneDx
Classification: Likely benign. Last evaluated: 2018-06-01. Review status: criteria provided, single submitter. Criteria: GeneDx Variant Classification Process June 2021. Collection method: clinical testing. Allele origin: germline. Affected: yes.
Comment: This variant is associated with the following publications: (PMID: 23806237)

Illumina Laboratory Services, Illumina
Classification: Uncertain significance for RFT1-congenital disorder of glycosylation. Last evaluated: 2017-04-27. Review status: criteria provided, single submitter. Criteria: ICSL Variant Classification Criteria 13 December 2019. Collection method: clinical testing. Allele origin: germline.

Eurofins Ntd Llc (ga)
Classification: Uncertain significance. Last evaluated: 2016-12-02. Review status: criteria provided, single submitter. Criteria: EGL Classification Definitions 2015. Collection method: clinical testing. Allele origin: germline. Observed: 3 variant alleles, 3 heterozygotes.

PreventionGenetics, part of Exact Sciences
Classification: Likely benign for RFT1-related condition. Last evaluated: 2019-07-16. Review status: no assertion criteria provided. Collection method: clinical testing. Allele origin: germline. Not counted in ClinVar's aggregate classification.
Comment: This variant is classified as likely benign based on ACMG/AMP sequence variant interpretation guidelines (Richards et al. 2015 PMID: 25741868, with internal and published modifications).

NM_052859.4(RFT1):c.826+7T>C

Gene: RFT1 (RFT1 glycolipid translocator homolog; minus strand). Cytogenetic location: 3p21.1.
Variant type: single nucleotide variant.
Coding change: c.826+7T>C on transcript NM_052859.4 (MANE Select); 7 bases into the intron after coding-DNA position 826, T replaced by C.
Molecular consequence: intron variant.
Genome position (GRCh38, 1-based): chr3:53,106,812, A>G on the plus strand (T>C on the coding strand, the complement: RFT1 is on the minus strand). VCF-style: chr3-53106812-A-G. GRCh37 (hg19) VCF-style: chr3-53140828-A-G.
Identifiers: ClinVar variation 380593 (VCV000380593.40), dbSNP rs192264403, ClinGen allele CA2451327.